The following is an entry in ClinVar:

ClinVar aggregate classification (germline): Uncertain significance. Review status: criteria provided, multiple submitters, no conflicts (2 of 4 stars). 2 submissions from 2 submitters: Uncertain significance (2). Last evaluated 2023-09-14.

Conditions:
Inborn genetic diseases. Identifiers: MedGen C0950123, MeSH D030342.

Allele frequency attached by ClinVar (database versions not stated): ExAC 0.00001; gnomAD exomes 0.00001.
gnomAD v4.1: 15 of 1,614,064 alleles (0.00093%); highest among the groups gnomAD compares: Middle Eastern, 0.016%; no homozygotes.

Submissions (2):

Ambry Genetics
Classification: Uncertain significance for Inborn genetic diseases. Last evaluated: 2023-09-14. Review status: criteria provided, single submitter. Criteria: Ambry Variant Classification Scheme 2023. Collection method: clinical testing. Allele origin: germline.

Labcorp Genetics (formerly Invitae), Labcorp
Classification: Uncertain significance. Last evaluated: 2022-01-14. Review status: criteria provided, single submitter. Criteria: Invitae Variant Classification Sherloc (09022015). Collection method: clinical testing. Allele origin: germline.
Comment: In summary, the available evidence is currently insufficient to determine the role of this variant in disease. Therefore, it has been classified as a Variant of Uncertain Significance. Algorithms developed to predict the effect of missense changes on protein structure and function (SIFT, PolyPhen-2, Align-GVGD) all suggest that this variant is likely to be tolerated. This variant has not been reported in the literature in individuals affected with VAC14-related conditions. This variant is present in population databases (rs751105042, gnomAD 0.007%). This sequence change replaces methionine, which is neutral and non-polar, with isoleucine, which is neutral and non-polar, at codon 436 of the VAC14 protein (p.Met436Ile).

NM_018052.5(VAC14):c.1308G>A (p.Met436Ile)

Genes: VAC14 (VAC14 component of PIKFYVE complex; minus strand), VAC14-AS1 (VAC14 antisense RNA 1; plus strand). Cytogenetic location: 16q22.1.
Variant type: single nucleotide variant.
Coding change: c.1308G>A on transcript NM_018052.5 (MANE Select); coding-DNA position 1308, G replaced by A.
Protein change: p.Met436Ile; replaces methionine 436 with isoleucine.
Molecular consequence: missense variant.
Genome position (GRCh38, 1-based): chr16:70,762,603, C>T on the plus strand (G>A on the coding strand, the complement: VAC14 is on the minus strand). VCF-style: chr16-70762603-C-T. GRCh37 (hg19) VCF-style: chr16-70796506-C-T.
Other names: c.606G>A, p.Met202Ile (NM_001351157.2); c.1308G>A (NM_018052.3); short protein forms M202I, M436I.
Identifiers: ClinVar variation 1525370 (VCV001525370.7), dbSNP rs751105042, ClinGen allele CA8147721.